The following is an entry in ClinVar:

NM_001127222.2(CACNA1A):c.4202A>G (p.Lys1401Arg)

Genes: CACNA1A (calcium voltage-gated channel subunit alpha1 A; minus strand), LOC126862864 (MED14-independent group 3 enhancer GRCh37_chr19:13371552-13372751; plus strand). Cytogenetic location: 19p13.13.
Variant type: single nucleotide variant.
Coding change: c.4202A>G on transcript NM_001127222.2 (MANE Select); coding-DNA position 4202, A replaced by G.
Protein change: p.Lys1401Arg; replaces lysine 1401 with arginine.
Molecular consequence: missense variant.
Genome position (GRCh38, 1-based): chr19:13,261,498, T>C on the plus strand (A>G on the coding strand, the complement: CACNA1A is on the minus strand). VCF-style: chr19-13261498-T-C. GRCh37 (hg19) VCF-style: chr19-13372312-T-C.
Other names: c.4205A>G (NM_000068.2); c.4214A>G, p.Lys1405Arg (NM_000068.4, NM_023035.3); c.4205A>G, p.Lys1402Arg (NM_001127221.2, NM_001174080.2); short protein forms K1402R, K1405R, K1401R.
Identifiers: ClinVar variation 1513410 (VCV001513410.7), dbSNP rs2144767291, ClinGen allele CA404339639.
Genomic context (GRCh38, chr19:13,261,498, plus strand): 5'-GTGGAGACCCACCGACAATCTTTCTCAAACTCTTTGGACTCGTCAGTGCAGTGGAAGAAT[T>C]TCCCCTTGAAGAGCTGCACAGCCACCACGGCGAAGATGAACATGAATAGCATGTAGACGA-3'
Protein context (NP_001120694.1, residues 1391-1411): AVVAVQLFKG[Lys1401Arg]FFHCTDESKE

ClinVar aggregate classification (germline): Uncertain significance. Review status: criteria provided, multiple submitters, no conflicts (2 of 4 stars). 2 submissions from 2 submitters: Uncertain significance (2). Last evaluated 2025-08-07.

Conditions:
Episodic ataxia type 2 (EA2). Also called: ATAXIA, EPISODIC, WITH NYSTAGMUS; ATAXIA, FAMILIAL PAROXYSMAL; CEREBELLAR ATAXIA, PAROXYSMAL, ACETAZOLAMIDE-RESPONSIVE; CEREBELLOPATHY, HEREDITARY PAROXYSMAL; ACETAZOLAMIDE-RESPONSIVE HEREDITARY PAROXYSMAL CEREBELLAR ATAXIA; EPISODIC ATAXIA, NYSTAGMUS-ASSOCIATED. Identifiers: Orphanet 97, MedGen C1720416, MONDO:0007163, OMIM 108500.
Developmental and epileptic encephalopathy, 42 (DEE42A). Also called: DEVELOPMENTAL AND EPILEPTIC ENCEPHALOPATHY 42A; EPILEPTIC ENCEPHALOPATHY, EARLY INFANTILE, 42A; Epileptic encephalopathy, early infantile, 42. Identifiers: MedGen C4310716, MONDO:0014917, OMIM 617106.

Allele frequency attached by ClinVar (database versions not stated): gnomAD exomes below 0.00001.
gnomAD v4.1: 3 of 1,589,986 alleles (0.00019%); highest among the groups gnomAD compares: Non-Finnish European, 0.00026%; no homozygotes.

Submissions (2):

Athena Diagnostics
Classification: Uncertain significance. Last evaluated: 2025-08-07. Review status: criteria provided, single submitter. Criteria: Athena Diagnostics Criteria. Collection method: clinical testing. Allele origin: unknown.
Comment: Available data are insufficient to determine the clinical significance of the variant at this time. This variant has not been reported in large, multi-ethnic general populations. Polyphen and MutationTaster predict this amino acid change may be benign.

Labcorp Genetics (formerly Invitae), Labcorp
Classification: Uncertain significance for Developmental and epileptic encephalopathy, 42; Episodic ataxia type 2. Last evaluated: 2021-09-20. Review status: criteria provided, single submitter. Criteria: Invitae Variant Classification Sherloc (09022015). Collection method: clinical testing. Allele origin: germline.
Comment: In summary, the available evidence is currently insufficient to determine the role of this variant in disease. Therefore, it has been classified as a Variant of Uncertain Significance. Advanced modeling of protein sequence and biophysical properties (such as structural, functional, and spatial information, amino acid conservation, physicochemical variation, residue mobility, and thermodynamic stability) performed at Invitae indicates that this missense variant is not expected to disrupt CACNA1A protein function. This variant has not been reported in the literature in individuals affected with CACNA1A-related conditions. This variant is not present in population databases (ExAC no frequency). This sequence change replaces lysine with arginine at codon 1402 of the CACNA1A protein (p.Lys1402Arg). The lysine residue is highly conserved and there is a small physicochemical difference between lysine and arginine.